The following is an entry in ClinVar:

NM_018480.7(TMEM126B):c.290dup (p.Lys98fs)

Gene: TMEM126B (transmembrane protein 126B; plus strand). Cytogenetic location: 11q14.1.
Variant type: Duplication.
Coding change: c.290dup on transcript NM_018480.7 (MANE Select); coding-DNA position 290, one base duplicated (T; older notation c.290dupT).
Protein change: p.Lys98fs; shifts the reading frame from lysine 98.
Molecular consequence: frameshift variant. On other transcripts: non-coding transcript variant (2).
Genome position (GRCh38, 1-based): chr11:85,634,172, T duplicated; the last of 2 consecutive T bases (chr11:85,634,171-85,634,172); duplicating either gives the same sequence. VCF-style (leftmost placement, unchanged base first): chr11-85634170-C-CT. GRCh37 (hg19) VCF-style: chr11-85345214-C-CT.
Other names: c.230dup, p.Lys78fs (NM_001193537.3, NM_001350395.2); c.200dup, p.Lys68fs (NM_001193538.3, NM_001256546.2, NM_001350396.2); c.152dup, p.Lys52fs (NM_001256547.2); c.168dup, p.Gln57fs (NM_001350393.1); c.290dup, p.Lys98fs (NM_001350394.2); short protein forms K52fs, K68fs, K78fs, K98fs, Q57fs.
Identifiers: ClinVar variation 2630644 (VCV002630644.4), dbSNP rs767065263, ClinGen allele CA6212459.

ClinVar aggregate classification (germline): Likely pathogenic. Review status: criteria provided, multiple submitters, no conflicts (2 of 4 stars). 2 submissions from 2 submitters: Likely pathogenic (2). Last evaluated 2025-10-13.

Conditions:
TMEM126B-related disorder. Also called: TMEM126B-related condition.
Mitochondrial complex I deficiency, nuclear type 29. Also called: Mitochondrial complex 1 deficiency, nuclear type 29. Identifiers: MedGen C4748830, MONDO:0032633, OMIM 618250.

Submissions (2):

PreventionGenetics, part of Exact Sciences
Classification: Likely pathogenic for TMEM126B-related condition. Last evaluated: 2025-10-13. Review status: criteria provided, single submitter. Criteria: ACMG Guidelines, 2015. Collection method: clinical testing. Allele origin: germline.
Comment: The TMEM126B c.290dupT variant is predicted to result in a frameshift and premature protein termination (p.Lys98Glnfs*3). This variant was previously reported in the compound heterozygous state in an individual with Leigh-like syndrome with complex I deficiency (Zhou et al. 2023. PubMed ID: 36482121). This variant is reported in 0.045% of alleles in individuals of East Asian descent in gnomAD. Frameshift variants in TMEM126B are expected to be pathogenic. This variant is interpreted as likely pathogenic.

Juno Genomics, Hangzhou Juno Genomics, Inc
Classification: Likely pathogenic for Mitochondrial complex I deficiency, nuclear type 29. Review status: criteria provided, single submitter. Criteria: ACMG Guidelines, 2015. Collection method: clinical testing. Allele origin: germline. Affected: yes.
Comment: Absent from controls (or at extremely low frequency if recessive) in Genome Aggregation Database, Exome Sequencing Project, 1000 Genomes Project, or Exome Aggregation Consortium.;Null variant in a gene where loss of function (LOF) is a known mechanism of disease.